The following is an entry in ClinVar:

ClinVar aggregate classification (germline): Benign/Likely benign. Review status: criteria provided, multiple submitters, no conflicts (2 of 4 stars). 14 submissions from 14 submitters: Benign (9); Likely benign (1). 4 of the submissions do not count toward it. Last evaluated 2026-02-04.

Conditions:
Nemaline myopathy 2 (NEM2). Also called: Nemaline myopathy 2, autosomal recessive. Identifiers: MedGen C1850569, MONDO:0009725, OMIM 256030.

Allele frequency attached by ClinVar (database versions not stated): gnomAD 0.01764 and 0.01877; 1000 Genomes Project 0.02057; ESP Exome Variant Server 0.02129; gnomAD exomes 0.02360 and 0.02631; 1000 Genomes Project 30x 0.02014; ExAC 0.02359; TOPMed 0.01702.
gnomAD v4.1: 41,407 of 1,613,648 alleles (2.6%); highest among the groups gnomAD compares: South Asian, 4.8%; 644 homozygotes.

Submissions (20):

Labcorp Genetics (formerly Invitae), Labcorp
Classification: Benign for Nemaline myopathy 2. Last evaluated: 2026-02-04. Review status: criteria provided, single submitter. Criteria: Invitae Variant Classification Sherloc (09022015). Collection method: clinical testing. Allele origin: germline.

Athena Diagnostics
Classification: Benign. Last evaluated: 2025-06-03. Review status: criteria provided, single submitter. Criteria: Athena Diagnostics Criteria. Collection method: clinical testing. Allele origin: unknown.
Comment: The frequency of this variant in the general population is higher than would generally be expected for pathogenic variants in this gene.

Blueprint Genetics
Classification: Likely benign. Last evaluated: 2024-11-26. Review status: criteria provided, single submitter. Criteria: ACMG Guidelines, 2015. Collection method: clinical testing. Allele origin: germline.

Illumina Laboratory Services, Illumina
Classification: Benign for Nemaline myopathy 2. Last evaluated: 2018-01-13. Review status: criteria provided, single submitter. Criteria: ICSL Variant Classification Criteria 13 December 2019. Collection method: clinical testing. Allele origin: germline.
Comment: This variant was observed in the ICSL laboratory as part of a predisposition screen in an ostensibly healthy population. It had not been previously curated by ICSL or reported in the Human Gene Mutation Database (HGMD: prior to June 1st, 2018), and was therefore a candidate for classification through an automated scoring system. Utilizing variant allele frequency, disease prevalence and penetrance estimates, and inheritance mode, an automated score was calculated to assess if this variant is too frequent to cause the disease. Based on the score and internal cut-off values, a variant classified as benign is not then subjected to further curation. The score for this variant resulted in a classification of benign for this disease.

Mayo Clinic Laboratories, Mayo Clinic
Classification: Benign. Last evaluated: 2017-10-05. Review status: criteria provided, single submitter. Criteria: ACMG Guidelines, 2015. Collection method: clinical testing. Allele origin: germline. Observed: 42 variant alleles.

Women's Health and Genetics/Laboratory Corporation of America, LabCorp
Classification: Benign. Last evaluated: 2017-04-24. Review status: criteria provided, single submitter. Criteria: LabCorp Variant Classification Summary - May 2015. Collection method: clinical testing. Allele origin: germline.
Comment: Variant summary: The NEB c.8318G>A (p.Arg2773Gln) variant involves the alteration of a conserved nucleotide and 3/4 in silico tools (SNPs&GO not captured here due to low reliability index) predict a damaging outcome. This variant was found in 2834/120142 control chromosomes (37 homozygotes) from ExAC at a frequency of 0.0235888, which is approximately 7 times the estimated maximal expected allele frequency of a pathogenic NEB variant (0.0035355), strongly supporting that this variant is likely a benign polymorphism. The variant is more common in East Asian sub-population with allele frequency of 4.5% (751/16334 chromosomes). In addition, multiple clinical diagnostic laboratories/reputable databases classified this variant as "likely benign/benign." Therefore, the variant of interest has been classified as Benign.

GeneDx
Classification: Benign. Last evaluated: 2016-03-12. Review status: criteria provided, single submitter. Criteria: GeneDx Variant Classification (06012015). Collection method: clinical testing. Allele origin: germline. Affected: yes.
Comment: This variant is considered likely benign or benign based on one or more of the following criteria: it is a conservative change, it occurs at a poorly conserved position in the protein, it is predicted to be benign by multiple in silico algorithms, and/or has population frequency not consistent with disease.

Laboratory for Molecular Medicine, Mass General Brigham Personalized Medicine
Classification: Benign. Last evaluated: 2015-01-13. Review status: criteria provided, single submitter. Criteria: LMM Criteria. Collection method: clinical testing. Allele origin: germline. Observed: 2 variant alleles.
Comment: p.Arg2773Gln in exon 60 of NEB: This variant is not expected to have clinical si gnificance because it has been identified in 2.8% (234/8218) of European America n chromosomes from a broad population by the NHLBI Exome Sequencing Project (dbSNP rs35974308).

Breakthrough Genomics
Classification: Benign. Review status: criteria provided, single submitter. Criteria: ACMG Guidelines, 2015. Collection method: not provided. Allele origin: germline. Inheritance: Autosomal recessive inheritance. Affected: yes.

PreventionGenetics, part of Exact Sciences
Classification: Benign. Review status: criteria provided, single submitter. Criteria: ACMG Guidelines, 2015. Collection method: clinical testing. Allele origin: germline.

Natera, Inc.
Classification: Benign for Nemaline myopathy type 2. Last evaluated: 2020-09-16. Review status: no assertion criteria provided. Collection method: clinical testing. Allele origin: germline. Not counted in ClinVar's aggregate classification.

Dr. Peter K. Rogan Lab, Western University
No classification provided (evidence only). Condition: Acute myeloid leukemia. Review status: no classification provided. Collection method: in vitro. Allele origin: not applicable. Functional consequence: retained intron. Not counted in ClinVar's aggregate classification.

Dr. Peter K. Rogan Lab, Western University
No classification provided (evidence only). Condition: Nonpapillary renal cell carcinoma. Review status: no classification provided. Collection method: in vitro. Allele origin: not applicable. Functional consequence: retained intron. Not counted in ClinVar's aggregate classification.

Dr. Peter K. Rogan Lab, Western University
No classification provided (evidence only). Condition: Gastric cancer. Review status: no classification provided. Collection method: in vitro. Allele origin: not applicable. Functional consequence: retained intron. Not counted in ClinVar's aggregate classification.

Dr. Peter K. Rogan Lab, Western University
No classification provided (evidence only). Condition: Gastric cancer. Review status: no classification provided. Collection method: in vitro. Allele origin: not applicable. Functional consequence: retained intron. Not counted in ClinVar's aggregate classification.

Dr. Peter K. Rogan Lab, Western University
No classification provided (evidence only). Condition: Malignant tumor of esophagus. Review status: no classification provided. Collection method: in vitro. Allele origin: not applicable. Functional consequence: retained intron. Not counted in ClinVar's aggregate classification.

Dr. Peter K. Rogan Lab, Western University
No classification provided (evidence only). Condition: Malignant tumor of esophagus. Review status: no classification provided. Collection method: in vitro. Allele origin: not applicable. Functional consequence: retained intron. Not counted in ClinVar's aggregate classification.

Genetic Services Laboratory, University of Chicago
Classification: Likely benign for AllHighlyPenetrant. Review status: no assertion criteria provided. Collection method: clinical testing. Allele origin: germline. Inheritance: Autosomal recessive inheritance. Not counted in ClinVar's aggregate classification.
Comment: Likely benign based on allele frequency in 1000 Genomes Project or ESP global frequency and its presence in a patient with a rare or unrelated disease phenotype. NOT Sanger confirmed.

Genome Diagnostics Laboratory, University Medical Center Utrecht
Classification: Benign. Review status: no assertion criteria provided. Collection method: clinical testing. Allele origin: germline. Affected: yes. Study: VKGL Data-share Consensus. Not counted in ClinVar's aggregate classification.

Laboratory of Diagnostic Genome Analysis, Leiden University Medical Center (LUMC)
Classification: Benign. Review status: no assertion criteria provided. Collection method: clinical testing. Allele origin: germline. Affected: yes. Study: VKGL Data-share Consensus. Not counted in ClinVar's aggregate classification.

NM_001164508.2(NEB):c.8318G>A (p.Arg2773Gln)

Gene: NEB (nebulin; minus strand). Cytogenetic location: 2q23.3.
Variant type: single nucleotide variant.
Coding change: c.8318G>A on transcript NM_001164508.2 (MANE Select); coding-DNA position 8318, G replaced by A.
Protein change: p.Arg2773Gln; replaces arginine 2773 with glutamine.
Molecular consequence: missense variant.
Genome position (GRCh38, 1-based): chr2:151,642,629, C>T on the plus strand (G>A on the coding strand, the complement: NEB is on the minus strand). VCF-style: chr2-151642629-C-T. GRCh37 (hg19) VCF-style: chr2-152499143-C-T.
Other names: c.8318G>A, p.Arg2773Gln (NM_001164507.2, NM_001271208.2, NM_004543.5); short protein forms R2773Q.
Identifiers: ClinVar variation 129758 (VCV000129758.32), dbSNP rs35974308, ClinGen allele CA154035.